The following is an entry in ClinVar:

NM_021098.3(CACNA1H):c.2677A>G (p.Lys893Glu)

Gene: CACNA1H (calcium voltage-gated channel subunit alpha1 H; plus strand). Cytogenetic location: 16p13.3.
Variant type: single nucleotide variant.
Coding change: c.2677A>G on transcript NM_021098.3 (MANE Select); coding-DNA position 2677, A replaced by G.
Protein change: p.Lys893Glu; replaces lysine 893 with glutamic acid.
Molecular consequence: missense variant.
Genome position (GRCh38, 1-based): chr16:1,206,177, A>G. VCF-style: chr16-1206177-A-G. GRCh37 (hg19) VCF-style: chr16-1256177-A-G.
Other names: c.2677A>G, p.Lys893Glu (NM_001005407.2); short protein forms K893E.
Identifiers: ClinVar variation 1499604 (VCV001499604.8), dbSNP rs2141297110, ClinGen allele CA394168867.

ClinVar aggregate classification (germline): Uncertain significance (1 of 4 stars; one submission).

Conditions:
Idiopathic generalized epilepsy. Also called: Generalised epilepsy; EIG. Identifiers: MedGen C0270850, MONDO:0005579, OMIM 600669.
Hyperaldosteronism, familial, type IV (HALD4). Also called: FH IV; ALDOSTERONISM, PRIMARY, AND HYPERTENSION. Identifiers: Orphanet 642671, MedGen C4310756, MONDO:0014875, OMIM 617027.

Submission:

Labcorp Genetics (formerly Invitae), Labcorp
Classification: Uncertain significance for Idiopathic generalized epilepsy; Hyperaldosteronism, familial, type IV. Last evaluated: 2022-06-27. Review status: criteria provided, single submitter. Criteria: Invitae Variant Classification Sherloc (09022015). Collection method: clinical testing. Allele origin: germline.
Comment: Advanced modeling of protein sequence and biophysical properties (such as structural, functional, and spatial information, amino acid conservation, physicochemical variation, residue mobility, and thermodynamic stability) performed at Invitae indicates that this missense variant is expected to disrupt CACNA1H protein function. This variant has not been reported in the literature in individuals affected with CACNA1H-related conditions. This variant is not present in population databases (gnomAD no frequency). This sequence change replaces lysine, which is basic and polar, with glutamic acid, which is acidic and polar, at codon 893 of the CACNA1H protein (p.Lys893Glu). Algorithms developed to predict the effect of sequence changes on RNA splicing suggest that this variant may disrupt the consensus splice site. In summary, the available evidence is currently insufficient to determine the role of this variant in disease. Therefore, it has been classified as a Variant of Uncertain Significance.